The following is an entry in ClinVar:

NM_001330288.2(SMARCC2):c.967C>T (p.Pro323Ser)

Gene: SMARCC2 (SWI/SNF related BAF chromatin remodeling complex subunit C2; minus strand). Cytogenetic location: 12q13.2.
Variant type: single nucleotide variant.
Coding change: c.967C>T on transcript NM_001330288.2 (MANE Select); coding-DNA position 967, C replaced by T.
Protein change: p.Pro323Ser; replaces proline 323 with serine.
Molecular consequence: missense variant.
Genome position (GRCh38, 1-based): chr12:56,181,091, G>A on the plus strand (C>T on the coding strand, the complement: SMARCC2 is on the minus strand). VCF-style: chr12-56181091-G-A. GRCh37 (hg19) VCF-style: chr12-56574875-G-A.
Other names: c.967C>T, p.Pro323Ser (NM_001130420.3, NM_003075.5, NM_139067.4); short protein forms P323S.
Identifiers: ClinVar variation 1311949 (VCV001311949.3), dbSNP rs748303040, ClinGen allele CA6626218.
Genomic context (GRCh38, chr12:56,181,091, plus strand): 5'-TGTCCTTTGTCAGGTCTTCTTGCTCCTCTTCTCTGTGGCCACGCTTTGACTTAGTGTAAG[G>A]TGTTGAGGGACTGGGAAGGAAAGAGAGTGAAAGAGAACCCAGTCATCCTTGGACAAGGAG-3'
Protein context (NP_001317217.1, residues 313-333): KKNAKKGPST[Pro323Ser]YTKSKRGHRE

ClinVar aggregate classification (germline): Uncertain significance. Review status: criteria provided, multiple submitters, no conflicts (2 of 4 stars). 2 submissions from 2 submitters: Uncertain significance (2). Last evaluated 2025-11-13.

Conditions:
Inborn genetic diseases. Identifiers: MedGen C0950123, MeSH D030342.

Allele frequency attached by ClinVar (database versions not stated): gnomAD 0.00001; TOPMed 0.00001; gnomAD exomes below 0.00001; ExAC 0.00001.
gnomAD v4.1: 2 of 1,612,502 alleles (0.00012%); highest among the groups gnomAD compares: African/African-American, 0.0013%; no homozygotes.

Submissions (2):

Ambry Genetics
Classification: Uncertain significance for Inborn genetic diseases. Last evaluated: 2025-11-13. Review status: criteria provided, single submitter. Criteria: Ambry Variant Classification Scheme 2023. Collection method: clinical testing. Allele origin: germline.

GeneDx
Classification: Uncertain significance. Last evaluated: 2020-01-03. Review status: criteria provided, single submitter. Criteria: GeneDx Variant Classification Process June 2021. Collection method: clinical testing. Allele origin: germline. Affected: yes.
Comment: In silico analysis, which includes protein predictors and evolutionary conservation, supports that this variant does not alter protein structure/function; Has not been previously published as pathogenic or benign to our knowledge